The following is an entry in ClinVar:

NM_003640.5(ELP1):c.2408G>A (p.Ser803Asn)

Gene: ELP1 (elongator acetyltransferase complex subunit 1; minus strand). Cytogenetic location: 9q31.3.
Variant type: single nucleotide variant.
Coding change: c.2408G>A on transcript NM_003640.5 (MANE Select); coding-DNA position 2408, G replaced by A.
Protein change: p.Ser803Asn; replaces serine 803 with asparagine.
Molecular consequence: missense variant.
Genome position (GRCh38, 1-based): chr9:108,897,241, C>T on the plus strand (G>A on the coding strand, the complement: ELP1 is on the minus strand). VCF-style: chr9-108897241-C-T. GRCh37 (hg19) VCF-style: chr9-111659521-C-T.
Other names: c.2066G>A, p.Ser689Asn (NM_001318360.2); c.1361G>A, p.Ser454Asn (NM_001330749.2); short protein forms S803N, S689N, S454N.
Identifiers: ClinVar variation 618179 (VCV000618179.9), dbSNP rs1445493033, ClinGen allele CA374421420.

ClinVar aggregate classification (germline): Uncertain significance. Review status: criteria provided, single submitter (1 of 4 stars). 2 submissions from 2 submitters: Uncertain significance (1). 1 of the submissions does not count toward it. Last evaluated 2018-01-12.

Conditions:
Familial dysautonomia. Also called: FD; HSAN III. Identifiers: Orphanet 1764, MedGen C0013364, MONDO:0009131, OMIM 223900. Disease mechanism: loss of function.

Allele frequency attached by ClinVar (database versions not stated): gnomAD exomes below 0.00001.
gnomAD v4.1: 2 of 1,614,124 alleles (0.00012%); highest among the groups gnomAD compares: South Asian, 0.0011%; no homozygotes.

Submissions (2):

ARUP Laboratories, Molecular Genetics and Genomics, ARUP Laboratories
Classification: Uncertain significance. Last evaluated: 2018-01-12. Review status: criteria provided, single submitter. Criteria: ARUP Molecular Germline Variant Investigation Process. Collection method: clinical testing. Allele origin: germline.
Comment: The ELP1 c.2408G>A; p.Ser803Asn variant, to our knowledge, is not reported in the medical literature, gene specific variation databases, nor has it been previously identified by our laboratory. This variant is listed in the genome Aggregation Database (gnomAD) with an overall population frequency of 0.0004% (identified on 1 out of 246,072 chromosomes). The serine at position 803 is weakly conserved, considering 13 species, and computational analyses of the effects of the p.Ser803Asn variant on protein structure and function do not predict a deleterious effect (SIFT: tolerated, MutationTaster: polymorphism, PolyPhen-2: benign). Based on the available information, the clinical significance of the p.Ser803Asn variant cannot be determined with certainty.

Natera, Inc.
Classification: Uncertain significance for Familial dysautonomia. Last evaluated: 2019-02-06. Review status: no assertion criteria provided. Collection method: clinical testing. Allele origin: germline. Not counted in ClinVar's aggregate classification.